The following is an entry in ClinVar:

NM_002471.4(MYH6):c.751A>G (p.Ile251Val)

Gene: MYH6 (myosin heavy chain 6; minus strand). Cytogenetic location: 14q11.2.
Variant type: single nucleotide variant.
Coding change: c.751A>G on transcript NM_002471.4 (MANE Select); coding-DNA position 751, A replaced by G.
Protein change: p.Ile251Val; replaces isoleucine 251 with valine.
Molecular consequence: missense variant.
Genome position (GRCh38, 1-based): chr14:23,403,763, T>C on the plus strand (A>G on the coding strand, the complement: MYH6 is on the minus strand). VCF-style: chr14-23403763-T-C. GRCh37 (hg19) VCF-style: chr14-23872972-T-C.
Other names: short protein forms I251V.
Identifiers: ClinVar variation 2637865 (VCV002637865.1), dbSNP rs1891686776, ClinGen allele CA389028712.

ClinVar aggregate classification (germline): Uncertain significance (1 of 4 stars; one submission).

gnomAD v4.1: 6 of 1,612,216 alleles (0.00037%); highest among the groups gnomAD compares: Non-Finnish European, 0.00017%; no homozygotes.

Submission:

Women's Health and Genetics/Laboratory Corporation of America, LabCorp
Classification: Uncertain significance. Last evaluated: 2023-10-23. Review status: criteria provided, single submitter. Criteria: LabCorp Variant Classification Summary - May 2015. Collection method: clinical testing. Allele origin: germline.
Comment: Variant summary: MYH6 c.751A>G (p.Ile251Val) results in a conservative amino acid change located in the Myosin head, motor domain (IPR001609) of the encoded protein sequence. Three of five in-silico tools predict a benign effect of the variant on protein function. The variant was absent in 247120 control chromosomes (gnomAD). The available data on variant occurrences in the general population are insufficient to allow any conclusion about variant significance. To our knowledge, no occurrence of c.751A>G in individuals affected with Cardiomyopathy and no experimental evidence demonstrating its impact on protein function have been reported. No submitters have cited clinical-significance assessments for this variant to ClinVar after 2014. Based on the evidence outlined above, the variant was classified as uncertain significance.